The following is an entry in ClinVar:

NM_006421.5(ARFGEF1):c.4157del (p.Leu1386fs)

Gene: ARFGEF1 (ARF guanine nucleotide exchange factor 1; minus strand). Cytogenetic location: 8q13.2.
Variant type: Deletion.
Coding change: c.4157del on transcript NM_006421.5 (MANE Select); coding-DNA position 4157, one base deleted (T; older notation c.4157delT).
Protein change: p.Leu1386fs; shifts the reading frame from leucine 1386.
Molecular consequence: frameshift variant. On other transcripts: 3 prime UTR variant (1), non-coding transcript variant (1).
Genome position (GRCh38, 1-based): chr8:67,224,954, A deleted on the plus strand (T on the coding strand, the reverse complement: ARFGEF1 is on the minus strand). VCF-style (leftmost placement, unchanged base first): chr8-67224953-GA-G. GRCh37 (hg19) VCF-style: chr8-68137188-GA-G.
Other names: c.4157del, p.Leu1386fs (NM_001413184.1, NM_001413185.1, NM_001413186.1 and 5 more transcripts); c.3557del, p.Leu1186fs (NM_001413188.1, NM_001413193.1, NM_001413197.1); c.4151del, p.Leu1384fs (NM_001413190.1); c.*54del (NM_001413195.1); c.2732del, p.Leu911fs (NM_001413196.1); short protein forms L1186fs, L1384fs, L1386fs, L911fs.
Identifiers: ClinVar variation 4857419 (VCV004857419.1).
Genomic context (GRCh38, chr8:67,224,953, plus strand): 5'-AGATTGTTACCTGGTTCTTACATCTAATTTGCATCTATTGATGATACAGGATAACTCAAA[GA>G]GAATTGGGAACCATCCTCTCACCCACACCCTGTCTTCAGGTGCTACGTTCATATCATCGC-3'

ClinVar aggregate classification (germline): Pathogenic (1 of 4 stars; one submission).

Conditions:
Developmental delay, impaired speech, and behavioral abnormalities, with or without seizures (DEDISB). Identifiers: MedGen C5575272, MONDO:0859263, OMIM 619964.

Submission:

Institute of Human Genetics, University of Leipzig Medical Center
Classification: Pathogenic for Developmental delay, impaired speech, and behavioral abnormalities, with or without seizures. Last evaluated: 2026-05-13. Review status: criteria provided, single submitter. Criteria: ACMG Guidelines, 2015. Collection method: clinical testing. Allele origin: unknown. Inheritance: Autosomal dominant inheritance. Affected: yes.
Comment: Criteria applied: PVS1,PM2